The following is an entry in ClinVar:

ClinVar aggregate classification (germline): Uncertain significance. Review status: criteria provided, multiple submitters, no conflicts (2 of 4 stars). 5 submissions from 4 submitters: Uncertain significance (5). Last evaluated 2025-12-22.

Conditions:
DNM2-related disorder. Also called: DNM2-related condition.
Charcot-Marie-Tooth disease dominant intermediate B (CMTDIB). Also called: CHARCOT-MARIE-TOOTH NEUROPATHY, DOMINANT INTERMEDIATE B; Charcot-Marie-Tooth disease dominant intermediate 1; CMT DI1; Charcot-Marie-Tooth disease dominant intermediate I. Identifiers: Orphanet 100044, Orphanet 228179, MedGen C1847902, MONDO:0011674, OMIM 606482.
Autosomal dominant centronuclear myopathy. Also called: MYOTUBULAR MYOPATHY, AUTOSOMAL DOMINANT; Myopathy, centronuclear, 3. Identifiers: Orphanet 169189, MedGen C4551952, MeSH D020914, MONDO:0008048, OMIM 160150.

Allele frequency attached by ClinVar (database versions not stated): TOPMed below 0.00001; ExAC 0.00001; gnomAD 0.00001; gnomAD exomes 0.00001 and 0.00002.
gnomAD v4.1: 12 of 1,614,084 alleles (0.00074%); highest among the groups gnomAD compares: Non-Finnish European, 0.001%; no homozygotes.

Submissions (5):

PreventionGenetics, part of Exact Sciences
Classification: Uncertain significance for DNM2-related condition. Last evaluated: 2025-12-22. Review status: criteria provided, single submitter. Criteria: ACMG Guidelines, 2015. Collection method: clinical testing. Allele origin: germline.
Comment: The DNM2 c.1418A>T variant is predicted to result in the amino acid substitution p.Asp473Val. To our knowledge, this variant has not been reported in the literature. This variant is reported in 0.0026% of alleles in individuals of European (Non-Finnish) descent in gnomAD. At this time, the clinical significance of this variant is uncertain due to the absence of conclusive functional and genetic evidence.

Labcorp Genetics (formerly Invitae), Labcorp
Classification: Uncertain significance for Charcot-Marie-Tooth disease dominant intermediate B. Last evaluated: 2025-10-12. Review status: criteria provided, single submitter. Criteria: Invitae Variant Classification Sherloc (09022015). Collection method: clinical testing. Allele origin: germline.
Comment: This sequence change replaces aspartic acid, which is acidic and polar, with valine, which is neutral and non-polar, at codon 473 of the DNM2 protein (p.Asp473Val). This variant is present in population databases (rs766613900, gnomAD 0.003%). This variant has not been reported in the literature in individuals affected with DNM2-related conditions. ClinVar contains an entry for this variant (Variation ID: 246304). Invitae Evidence Modeling of protein sequence and biophysical properties (such as structural, functional, and spatial information, amino acid conservation, physicochemical variation, residue mobility, and thermodynamic stability) has been performed for this missense variant. However, the output from this modeling did not meet the statistical confidence thresholds required to predict the impact of this variant on DNM2 protein function. In summary, the available evidence is currently insufficient to determine the role of this variant in disease. Therefore, it has been classified as a Variant of Uncertain Significance.

GeneDx
Classification: Uncertain significance. Last evaluated: 2025-08-27. Review status: criteria provided, single submitter. Criteria: GeneDx Variant Classification Process June 2021. Collection method: clinical testing. Allele origin: germline. Affected: yes.
Comment: In silico analysis supports that this missense variant has a deleterious effect on protein structure/function; Has not been previously published as pathogenic or benign to our knowledge

Illumina Laboratory Services, Illumina
Classification: Uncertain significance for Charcot-Marie-Tooth disease dominant intermediate B. Last evaluated: 2018-01-13. Review status: criteria provided, single submitter. Criteria: ICSL Variant Classification Criteria 13 December 2019. Collection method: clinical testing. Allele origin: germline.

Illumina Laboratory Services, Illumina
Classification: Uncertain significance for Autosomal dominant centronuclear myopathy. Last evaluated: 2018-01-13. Review status: criteria provided, single submitter. Criteria: ICSL Variant Classification Criteria 13 December 2019. Collection method: clinical testing. Allele origin: germline.

NM_001005361.3(DNM2):c.1418A>T (p.Asp473Val)

Gene: DNM2 (dynamin 2; plus strand). Cytogenetic location: 19p13.2.
Variant type: single nucleotide variant.
Coding change: c.1418A>T on transcript NM_001005361.3 (MANE Select); coding-DNA position 1418, A replaced by T.
Protein change: p.Asp473Val; replaces aspartic acid 473 with valine.
Molecular consequence: missense variant.
Genome position (GRCh38, 1-based): chr19:10,798,568, A>T. VCF-style: chr19-10798568-A-T. GRCh37 (hg19) VCF-style: chr19-10909244-A-T.
Other names: c.1418A>T, p.Asp473Val (NM_001005360.3, NM_001005362.3, NM_001190716.2 and 1 more transcripts); short protein forms D473V.
Identifiers: ClinVar variation 246304 (VCV000246304.18), dbSNP rs766613900, ClinGen allele CA9201140.